The following is an entry in ClinVar:

NM_001042424.3(NSD2):c.2056T>G (p.Cys686Gly)

Gene: NSD2 (nuclear receptor binding SET domain protein 2; plus strand). Cytogenetic location: 4p16.3.
Variant type: single nucleotide variant.
Coding change: c.2056T>G on transcript NM_001042424.3 (MANE Select); coding-DNA position 2056, T replaced by G.
Protein change: p.Cys686Gly; replaces cysteine 686 with glycine.
Molecular consequence: missense variant.
Genome position (GRCh38, 1-based): chr4:1,952,150, T>G. VCF-style: chr4-1952150-T-G. GRCh37 (hg19) VCF-style: chr4-1953877-T-G.
Other names: c.2056T>G, p.Cys686Gly (NM_133330.3, NM_133331.3, NM_133335.4); short protein forms C686G.
Identifiers: ClinVar variation 4057109 (VCV004057109.1).
Genomic context (GRCh38, chr4:1,952,150, plus strand): 5'-CCTGCTCTGCCCCCGCAGCTGTGTGAGAAGCCGGGCAGCCTCCTGCTCTGTGAAGGACCC[T>G]GCTGCGGAGCTTTCCACCTCGCCTGCCTTGGGCTTTCCCGGAGGCCAGAAGGGAGGTTCA-3'
Protein context (NP_001035889.1, residues 676-696): PGSLLLCEGP[Cys686Gly]CGAFHLACLG

ClinVar aggregate classification (germline): Uncertain significance (1 of 4 stars; one submission).

Submission:

GeneDx
Classification: Uncertain significance. Last evaluated: 2025-01-08. Review status: criteria provided, single submitter. Criteria: GeneDx Variant Classification Process June 2021. Collection method: clinical testing. Allele origin: germline. Affected: yes.
Comment: Not observed at significant frequency in large population cohorts (gnomAD); In silico analysis supports that this missense variant has a deleterious effect on protein structure/function; Has not been previously published as pathogenic or benign to our knowledge